The following is an entry in ClinVar:

NM_002691.4(POLD1):c.1833G>T (p.Met611Ile)

Gene: POLD1 (DNA polymerase delta 1, catalytic subunit; plus strand). Cytogenetic location: 19q13.33.
Variant type: single nucleotide variant.
Coding change: c.1833G>T on transcript NM_002691.4 (MANE Select); coding-DNA position 1833, G replaced by T.
Protein change: p.Met611Ile; replaces methionine 611 with isoleucine.
Molecular consequence: missense variant. On other transcripts: non-coding transcript variant (1).
Genome position (GRCh38, 1-based): chr19:50,408,842, G>T. VCF-style: chr19-50408842-G-T. GRCh37 (hg19) VCF-style: chr19-50912099-G-T.
Other names: c.1833G>T, p.Met611Ile (NM_001256849.1); c.1911G>T, p.Met637Ile (NM_001308632.1); short protein forms M611I, M637I.
Identifiers: ClinVar variation 3222704 (VCV003222704.1), dbSNP rs1601225379, ClinGen allele CA406982049.

ClinVar aggregate classification (germline): Uncertain significance (1 of 4 stars; one submission).

Conditions:
Hereditary cancer-predisposing syndrome. Also called: Tumor predisposition; Hereditary neoplastic syndrome; Hereditary Cancer Syndrome; Neoplastic Syndromes, Hereditary. Identifiers: Orphanet 140162, MedGen C0027672, MeSH D009386, MONDO:0015356.

Submission:

Ambry Genetics
Classification: Uncertain significance for Hereditary cancer-predisposing syndrome. Last evaluated: 2023-11-21. Review status: criteria provided, single submitter. Criteria: Ambry Variant Classification Scheme 2023. Collection method: clinical testing. Allele origin: germline.
Comment: The p.M611I variant (also known as c.1833G>T), located in coding exon 14 of the POLD1 gene, results from a G to T substitution at nucleotide position 1833. The methionine at codon 611 is replaced by isoleucine, an amino acid with highly similar properties. This amino acid position is conserved. In addition, the in silico prediction for this alteration is inconclusive. Since supporting evidence is limited at this time, the clinical significance of this alteration remains unclear.